The following is an entry in ClinVar:

ClinVar aggregate classification (germline): Likely benign (1 of 4 stars; one submission).

gnomAD v4.1: 198 of 1,608,012 alleles (0.012%); highest among the groups gnomAD compares: Middle Eastern, 0.066%; no homozygotes.

Submission:

CeGaT Center for Human Genetics Tuebingen
Classification: Likely benign. Last evaluated: 2024-10-01. Review status: criteria provided, single submitter. Criteria: CeGaT Center For Human Genetics Tuebingen Variant Classification Criteria Version 2. Collection method: clinical testing. Allele origin: germline. Affected: yes. Observed: 1 variant allele.
Comment: PMF1: BP4, BP7; PMF1-BGLAP: BP4, BP7

NM_007221.4(PMF1):c.378C>T (p.Ser126=)

Genes: PMF1 (polyamine modulated factor 1; plus strand), PMF1-BGLAP (PMF1-BGLAP readthrough; plus strand). Cytogenetic location: 1q22.
Variant type: single nucleotide variant.
Coding change: c.378C>T on transcript NM_007221.4 (MANE Select); coding-DNA position 378, C replaced by T.
Protein change: p.Ser126=; no amino-acid change (serine 126 retained).
Molecular consequence: synonymous variant. On other transcripts: intron variant (8).
Genome position (GRCh38, 1-based): chr1:156,236,297, C>T. VCF-style: chr1-156236297-C-T. GRCh37 (hg19) VCF-style: chr1-156206088-C-T.
Other names: c.378C>T, p.Ser126= (NM_001199662.1); c.171C>T, p.Ser57= (NM_001199664.1, NM_001393914.1); c.384C>T, p.Ser128= (NM_001199654.2); c.375C>T, p.Ser125= (NM_001393909.1); c.369-52C>T (NM_001199661.1, NM_001199653.2); c.368+2569C>T (NM_001199663.1); c.375-52C>T (NM_001393910.1); c.366-52C>T (NM_001393911.1); and 3 more.
Identifiers: ClinVar variation 3388334 (VCV003388334.14).
Genomic context (GRCh38, chr1:156,236,297, plus strand): 5'-CACAAGGGCCTTCCGCCTCCTTCATTCCTTGTGCCCCGTGTGGCCCTCCAGGCGCCCCAG[C>T]GGGATCCCAGAGAAGGATCTGCACAGTGTTATGGCACCCTACTTCCTGCAGCAACGGGAC-3'
Protein context (NP_009152.2, residues 116-136): KVRKEPAWRP[Ser126=]GIPEKDLHSV